The following is an entry in ClinVar:

NM_024675.4(PALB2):c.175T>A (p.Ser59Thr)

Gene: PALB2 (partner and localizer of BRCA2; minus strand). Cytogenetic location: 16p12.2.
Variant type: single nucleotide variant.
Coding change: c.175T>A on transcript NM_024675.4 (MANE Select); coding-DNA position 175, T replaced by A.
Protein change: p.Ser59Thr; replaces serine 59 with threonine.
Molecular consequence: missense variant. On other transcripts: 5 prime UTR variant (8), intron variant (3).
Genome position (GRCh38, 1-based): chr16:23,637,886, A>T on the plus strand (T>A on the coding strand, the complement: PALB2 is on the minus strand). VCF-style: chr16-23637886-A-T. GRCh37 (hg19) VCF-style: chr16-23649207-A-T.
Other names: c.115T>A, p.Ser39Thr (NM_001407296.1); c.175T>A, p.Ser59Thr (NM_001407297.1, NM_001407298.1, NM_001407299.1 and 3 more transcripts); c.-711T>A (NM_001407304.1, NM_001407305.1, NM_001407306.1 and 5 more transcripts); c.48+3224T>A (NM_001407314.1); c.-105+3224T>A (NM_001407313.1, NM_001407312.1); short protein forms S39T, S59T.
Identifiers: ClinVar variation 3664315 (VCV003664315.2).

ClinVar aggregate classification (germline): Uncertain significance (1 of 4 stars; one submission).

Conditions:
Familial cancer of breast. Also called: hereditary breast carcinoma; Hereditary breast cancer; BREAST CANCER, FAMILIAL. Identifiers: Orphanet 227535, MedGen C0346153, MONDO:0016419, OMIM 114480. Disease mechanism: loss of function.

Submission:

Labcorp Genetics (formerly Invitae), Labcorp
Classification: Uncertain significance for Familial cancer of breast. Last evaluated: 2024-09-03. Review status: criteria provided, single submitter. Criteria: Invitae Variant Classification Sherloc (09022015). Collection method: clinical testing. Allele origin: germline.
Comment: This sequence change replaces serine, which is neutral and polar, with threonine, which is neutral and polar, at codon 59 of the PALB2 protein (p.Ser59Thr). This variant is not present in population databases (gnomAD no frequency). This variant has not been reported in the literature in individuals affected with PALB2-related conditions. An algorithm developed to predict the effect of missense changes on protein structure and function (PolyPhen-2) suggests that this variant is likely to be tolerated. In summary, the available evidence is currently insufficient to determine the role of this variant in disease. Therefore, it has been classified as a Variant of Uncertain Significance.